The following is an entry in ClinVar:

NM_001114753.3(ENG):c.461dup (p.Ile156fs)

Gene: ENG (endoglin; minus strand). Cytogenetic location: 9q34.11.
Variant type: Duplication.
Coding change: c.461dup on transcript NM_001114753.3 (MANE Select); coding-DNA position 461, one base duplicated (G; older notation c.461dupG).
Protein change: p.Ile156fs; shifts the reading frame from isoleucine 156.
Molecular consequence: frameshift variant. On other transcripts: 5 prime UTR variant (1).
Genome position (GRCh38, 1-based): chr9:127,826,572, C duplicated on the plus strand (G on the coding strand, the reverse complement: ENG is on the minus strand); the first of 4 consecutive C bases (chr9:127,826,572-127,826,575); duplicating any one gives the same sequence. VCF-style (leftmost placement, unchanged base first): chr9-127826571-G-GC. GRCh37 (hg19) VCF-style: chr9-130588850-G-GC.
Other names: c.458dup, p.Ile156Hisfs (NM_000118.4, NM_001406715.1); c.-86dup (NM_001278138.2); short protein forms I156fs.
Identifiers: ClinVar variation 843258 (VCV000843258.12), dbSNP rs1830620889, ClinGen allele CA916081557.

ClinVar aggregate classification (germline): Pathogenic (1 of 4 stars; one submission).

Conditions:
Hereditary hemorrhagic telangiectasia (HHT). Also called: ORW DISEASE; Osler Weber Rendu syndrome; OSLER-RENDU-WEBER DISEASE; Osler hemorrhagic telangiectasia syndrome. Identifiers: Orphanet 774, MedGen C0039445, MONDO:0019180. Disease mechanism: loss of function.

Submission:

Labcorp Genetics (formerly Invitae), Labcorp
Classification: Pathogenic for Hereditary hemorrhagic telangiectasia. Last evaluated: 2024-11-24. Review status: criteria provided, single submitter. Criteria: Invitae Variant Classification Sherloc (09022015). Collection method: clinical testing. Allele origin: germline.
Comment: This sequence change creates a premature translational stop signal (p.Ile156Hisfs*6) in the ENG gene. It is expected to result in an absent or disrupted protein product. Loss-of-function variants in ENG are known to be pathogenic (PMID: 15879500). This variant is not present in population databases (gnomAD no frequency). This premature translational stop signal has been observed in individual(s) with hereditary hemorrhagic telangiectasia (PMID: 24196379). ClinVar contains an entry for this variant (Variation ID: 843258). For these reasons, this variant has been classified as Pathogenic.

Literature cited by the submitters: PubMed 15879500; PubMed 24196379.